The following is an entry in ClinVar:

NM_001136193.2(FASTKD2):c.-51A>G

Genes: FASTKD2 (FASTK mitochondrial RNA regulator 2; plus strand), LOC129935479 (ATAC-STARR-seq lymphoblastoid active region 17028; plus strand). Cytogenetic location: 2q33.3.
Variant type: single nucleotide variant.
Coding change: c.-51A>G on transcript NM_001136193.2 (MANE Select); 51 bases upstream of the start codon, A replaced by G.
Molecular consequence: 5 prime UTR variant. On other transcripts: intron variant (1).
Genome position (GRCh38, 1-based): chr2:206,765,747, A>G. VCF-style: chr2-206765747-A-G. GRCh37 (hg19) VCF-style: chr2-207630471-A-G.
Other names: NC_000002.11:g.207630471A>G; c.-66A>G (NM_001136194.2); c.-51+93A>G (NM_014929.4).
Identifiers: ClinVar variation 137298 (VCV000137298.40), dbSNP rs116297724, ClinGen allele CA290854.
Genomic context (GRCh38, chr2:206,765,747, plus strand): 5'-GCCCGTATCACATCCTAGACTTTTTACTTCGAGGAGAAGAGTCTCACGAGTTGTCCTGGA[A>G]GTAAGTTTAAAGGAGGTGGGTTAATGCTGGGCGGCCCAGCTGCGGAAGGACAGGCTCTTG-3'

ClinVar aggregate classification (germline): Benign/Likely benign. Review status: criteria provided, multiple submitters, no conflicts (2 of 4 stars). 5 submissions from 5 submitters: Benign (3); Likely benign (2). Last evaluated 2026-10-01.

Conditions:
Combined oxidative phosphorylation deficiency 44. Also called: FASTKD2-Related Combined Oxidative Phosphorylation Deficiency. Identifiers: MedGen C5394293, MONDO:0030020, OMIM 618855.

Allele frequency attached by ClinVar (database versions not stated): 1000 Genomes Project 30x 0.00219; 1000 Genomes Project 0.00240; TOPMed 0.00631; gnomAD 0.00895 and 0.00938; gnomAD exomes 0.01401.
gnomAD v4.1: 1,462 of 159,928 alleles (0.91%); highest among the groups gnomAD compares: Non-Finnish European, 1.3%; 13 homozygotes.

Submissions (9):

CeGaT Center for Human Genetics Tuebingen
Classification: Benign. Last evaluated: 2026-10-01. Review status: criteria provided, single submitter. Criteria: CeGaT Center For Human Genetics Tuebingen Variant Classification Criteria Version 2. Collection method: clinical testing. Allele origin: germline. Affected: yes. Observed: 49 variant alleles.
Comment: FASTKD2: BS1, BS2

Fulgent Genetics
Classification: Likely benign for Combined oxidative phosphorylation deficiency 44. Last evaluated: 2021-07-29. Review status: criteria provided, single submitter. Criteria: ACMG Guidelines, 2015. Collection method: clinical testing. Allele origin: unknown.

Eurofins Ntd Llc (ga)
Classification: Benign. Last evaluated: 2017-03-23. Review status: criteria provided, single submitter. Criteria: EGL Classification Definitions 2015. Collection method: clinical testing. Allele origin: germline. Observed: 1 variant allele, 1 heterozygote.

Center for Pediatric Genomic Medicine, Children's Mercy Hospital and Clinics
Classification: Likely benign. Last evaluated: 2015-05-06. Review status: criteria provided, single submitter. Criteria: ACMG Guidelines, 2015. Collection method: clinical testing. Allele origin: germline.
ClinVar note: Converted during submission from Likely Benign to Likely benign.

GeneDx
Classification: Benign. Last evaluated: 2013-03-21. Review status: criteria provided, single submitter. Criteria: GeneDx Variant Classification (06012015). Collection method: clinical testing. Allele origin: germline. Affected: yes.
Comment: This variant is considered likely benign or benign based on one or more of the following criteria: it is a conservative change, it occurs at a poorly conserved position in the protein, it is predicted to be benign by multiple in silico algorithms, and/or has population frequency not consistent with disease.

Dr. Peter K. Rogan Lab, Western University
No classification provided (evidence only). Condition: Nonpapillary renal cell carcinoma. Review status: no classification provided. Collection method: in vitro. Allele origin: not applicable. Functional consequence: retained intron. Not counted in ClinVar's aggregate classification.

Dr. Peter K. Rogan Lab, Western University
No classification provided (evidence only). Condition: Familial pancreatic carcinoma. Review status: no classification provided. Collection method: in vitro. Allele origin: not applicable. Functional consequence: retained intron. Not counted in ClinVar's aggregate classification.

Dr. Peter K. Rogan Lab, Western University
No classification provided (evidence only). Condition: Familial pancreatic carcinoma. Review status: no classification provided. Collection method: in vitro. Allele origin: not applicable. Functional consequence: retained intron. Not counted in ClinVar's aggregate classification.

Dr. Peter K. Rogan Lab, Western University
No classification provided (evidence only). Condition: Lymphoma. Review status: no classification provided. Collection method: in vitro. Allele origin: not applicable. Functional consequence: retained intron. Not counted in ClinVar's aggregate classification.